The following is an entry in ClinVar:

ClinVar aggregate classification (germline): Pathogenic (1 of 4 stars; one submission).

Conditions:
Von Hippel-Lindau syndrome (VHLS). Also called: Von Hippel-Lindau; von Hippel–Lindau syndrome; VHL syndrome. Identifiers: Orphanet 892, MedGen C0019562, MONDO:0008667, OMIM 193300. Disease mechanism: loss of function.

Submission:

Myriad Genetics, Inc.
Classification: Pathogenic for Von Hippel-Lindau syndrome. Last evaluated: 2023-02-22. Review status: criteria provided, single submitter. Criteria: Myriad Autosomal Dominant, Autosomal Recessive and X-Linked Classification Criteria (2023). Collection method: clinical testing. Allele origin: unknown.
Comment: This variant is considered pathogenic. This variant creates a frameshift predicted to result in premature protein truncation.

NM_000551.4(VHL):c.213del (p.Ser72fs)

Gene: VHL (von Hippel-Lindau tumor suppressor; plus strand). Cytogenetic location: 3p25.3.
Variant type: Deletion.
Coding change: c.213del on transcript NM_000551.4 (MANE Select); coding-DNA position 213, one base deleted (C; older notation c.213delC).
Protein change: p.Ser72fs; shifts the reading frame from serine 72.
Molecular consequence: frameshift variant. On other transcripts: non-coding transcript variant (1).
Genome position (GRCh38, 1-based): chr3:10,142,060, C deleted; the last of 3 consecutive C bases (chr3:10,142,058-10,142,060); deleting any one gives the same sequence. VCF-style (leftmost placement, unchanged base first): chr3-10142057-GC-G. GRCh37 (hg19) VCF-style: chr3-10183741-GC-G.
Other names: c.213del, p.Ser72fs (NM_001354723.2, NM_198156.3); short protein forms S72fs.
Identifiers: ClinVar variation 2573291 (VCV002573291.1), dbSNP rs2470158104, ClinGen allele CA432536419.